The following is an entry in ClinVar:

NM_014014.5(SNRNP200):c.4657C>T (p.His1553Tyr)

Gene: SNRNP200 (small nuclear ribonucleoprotein U5 subunit 200; minus strand). Cytogenetic location: 2q11.2.
Variant type: single nucleotide variant.
Coding change: c.4657C>T on transcript NM_014014.5 (MANE Select); coding-DNA position 4657, C replaced by T.
Protein change: p.His1553Tyr; replaces histidine 1553 with tyrosine.
Molecular consequence: missense variant.
Genome position (GRCh38, 1-based): chr2:96,283,641, G>A on the plus strand (C>T on the coding strand, the complement: SNRNP200 is on the minus strand). VCF-style: chr2-96283641-G-A. GRCh37 (hg19) VCF-style: chr2-96949379-G-A.
Other names: short protein forms H1553Y.
Identifiers: ClinVar variation 4762247 (VCV004762247.1).
Genomic context (GRCh38, chr2:96,283,641, plus strand): 5'-CAGTGAGGCGGGTCTGCTTGCGAGACGGCACAAAGACAATGACAGGCTTCTTGGGCGAGT[G>A]CTTGGTGATAGCATGGTACACAGGCTTGGCCATGGAGAGCAGGCGGGTTTGTGTATGGCT-3'
Protein context (NP_054733.2, residues 1543-1563): AKPVYHAITK[His1553Tyr]SPKKPVIVFV

ClinVar aggregate classification (germline): Uncertain significance (1 of 4 stars; one submission).

Submission:

Labcorp Genetics (formerly Invitae), Labcorp
Classification: Uncertain significance. Last evaluated: 2025-11-27. Review status: criteria provided, single submitter. Criteria: Invitae Variant Classification Sherloc (09022015). Collection method: clinical testing. Allele origin: germline.
Comment: This sequence change replaces histidine, which is basic and polar, with tyrosine, which is neutral and polar, at codon 1553 of the SNRNP200 protein (p.His1553Tyr). This variant is not present in population databases (gnomAD no frequency). This variant has not been reported in the literature in individuals affected with SNRNP200-related conditions. Invitae Evidence Modeling of protein sequence and biophysical properties (such as structural, functional, and spatial information, amino acid conservation, physicochemical variation, residue mobility, and thermodynamic stability) indicates that this missense variant is not expected to disrupt SNRNP200 protein function with a negative predictive value of 95%. In summary, the available evidence is currently insufficient to determine the role of this variant in disease. Therefore, it has been classified as a Variant of Uncertain Significance.